The following is an entry in ClinVar:

ClinVar aggregate classification (germline): Uncertain significance (1 of 4 stars; one submission).

Allele frequency attached by ClinVar (database versions not stated): gnomAD exomes below 0.00001.
gnomAD v4.1: 1 of 1,552,804 alleles (0.000064%); highest among the groups gnomAD compares: Middle Eastern, 0.019%; no homozygotes.

Submission:

Labcorp Genetics (formerly Invitae), Labcorp
Classification: Uncertain significance. Last evaluated: 2020-03-17. Review status: criteria provided, single submitter. Criteria: Invitae Variant Classification Sherloc (09022015). Collection method: clinical testing. Allele origin: germline.
Comment: Algorithms developed to predict the effect of missense changes on protein structure and function (SIFT, PolyPhen-2, Align-GVGD) all suggest that this variant is likely to be tolerated, but these predictions have not been confirmed by published functional studies and their clinical significance is uncertain. This sequence change replaces histidine with arginine at codon 729 of the RINT1 protein (p.His729Arg). The histidine residue is moderately conserved and there is a small physicochemical difference between histidine and arginine. This variant is not present in population databases (ExAC no frequency). This variant has not been reported in the literature in individuals with RINT1-related conditions. Algorithms developed to predict the effect of sequence changes on RNA splicing suggest that this variant may create or strengthen a splice site, but this prediction has not been confirmed by published transcriptional studies. In summary, the available evidence is currently insufficient to determine the role of this variant in disease. Therefore, it has been classified as a Variant of Uncertain Significance.

NM_021930.6(RINT1):c.2186A>G (p.His729Arg)

Genes: EFCAB10 (EF-hand calcium binding domain 10; minus strand), RINT1 (RAD50 interactor 1; plus strand). Cytogenetic location: 7q22.3.
Variant type: single nucleotide variant.
Coding change: c.2186A>G on transcript NM_021930.6 (MANE Select); coding-DNA position 2186, A replaced by G.
Protein change: p.His729Arg; replaces histidine 729 with arginine.
Molecular consequence: missense variant. On other transcripts: non-coding transcript variant (1), intron variant (3).
Genome position (GRCh38, 1-based): chr7:105,565,648, A>G. VCF-style: chr7-105565648-A-G. GRCh37 (hg19) VCF-style: chr7-105206095-A-G.
Other names: c.1952A>G, p.His651Arg (NM_001346599.2); c.1163A>G, p.His388Arg (NM_001346600.2, NM_001346603.2); c.1262A>G, p.His421Arg (NM_001346601.2); c.360-201T>C (NM_001355531.2); c.384-201T>C (NM_001355526.2); c.384-33T>C (NM_001355530.2); short protein forms H388R, H651R, H421R, H729R.
Identifiers: ClinVar variation 1046798 (VCV001046798.8), dbSNP rs1791692720, ClinGen allele CA368815337.